The following is an entry in ClinVar:

ClinVar aggregate classification (germline): Likely pathogenic (1 of 4 stars; one submission).

Conditions:
Hereditary cancer-predisposing syndrome. Also called: Tumor predisposition; Neoplastic Syndromes, Hereditary; Hereditary Cancer Syndrome; Hereditary neoplastic syndrome. Identifiers: Orphanet 140162, MedGen C0027672, MeSH D009386, MONDO:0015356.

Submission:

Ambry Genetics
Classification: Likely pathogenic for Hereditary cancer-predisposing syndrome. Last evaluated: 2025-08-15. Review status: criteria provided, single submitter. Criteria: Ambry Variant Classification Scheme 2023. Collection method: clinical testing. Allele origin: germline.
Comment: The p.A248D variant (also known as c.743C>A), located in coding exon 9 of the MUTYH gene, results from a C to A substitution at nucleotide position 743. The alanine at codon 248 is replaced by aspartic acid, an amino acid with dissimilar properties. In a massively parallel cell-based functional assay testing 7,8-dihydro-8- oxoguanine:adenine (8OG:A) repair activity, a byproduct of oxidative damage, this variant was reported to be non-functional (Hemker SL et al. Am J Hum Genet. Published online July 29, 2025. DOI: 10.1016/j.ajhg.2025.07.005). This amino acid position is well conserved in available vertebrate species. In addition, this alteration is predicted to be deleterious by in silico analysis. This variant is considered to be rare based on population cohorts in the Genome Aggregation Database (gnomAD). Based on the majority of available evidence to date, this variant is likely to be pathogenic.

Literature cited by the submitters: PubMed 40738107.

NM_001048174.2(MUTYH):c.659C>A (p.Ala220Asp)

Gene: MUTYH (mutY DNA glycosylase; minus strand). Cytogenetic location: 1p34.1.
Variant type: single nucleotide variant.
Coding change: c.659C>A on transcript NM_001048174.2 (MANE Select); coding-DNA position 659, C replaced by A.
Protein change: p.Ala220Asp; replaces alanine 220 with aspartic acid.
Molecular consequence: missense variant. On other transcripts: non-coding transcript variant (7).
Genome position (GRCh38, 1-based): chr1:45,332,436, G>T on the plus strand (C>A on the coding strand, the complement: MUTYH is on the minus strand). VCF-style: chr1-45332436-G-T. GRCh37 (hg19) VCF-style: chr1-45798108-G-T.
Other names: c.659C>A, p.Ala220Asp (NM_001048171.2, NM_001048173.2, NM_001293195.2 and 6 more transcripts); c.662C>A, p.Ala221Asp (NM_001048172.2, NM_001407071.1, NM_001407078.1 and 1 more transcripts); c.743C>A, p.Ala248Asp (NM_001128425.2); c.704C>A, p.Ala235Asp (NM_001293190.2); c.692C>A, p.Ala231Asp (NM_001293191.2, NM_001407069.1, NM_001407077.1); c.383C>A, p.Ala128Asp (NM_001293192.2, NM_001293196.2, NM_001407091.1); c.314C>A, p.Ala105Asp (NM_001350650.2, NM_001350651.2, NM_001407082.1); c.575C>A, p.Ala192Asp (NM_001407075.1); and 5 more; short protein forms A231D, A248D, A192D, A206D, A207D, A227D, A235D, A128D.
Identifiers: ClinVar variation 3875925 (VCV003875925.2).
Genomic context (GRCh38, chr1:45,332,436, plus strand): 5'-ACCCCAACATCCTACCAGAGCTGCTGGGAAACAAGGGTGCTGCTGGGATCAGCACCAATG[G>T]CTCGGACACGGCACAGCACCCGTGCTACGTTGCCATCCACCACACCGGTTGCCTGGCACA-3'
Protein context (NP_001041639.1, residues 210-230): NVARVLCRVR[Ala220Asp]IGADPSSTLV